The following is an entry in ClinVar:

ClinVar aggregate classification (germline): Likely benign. Review status: criteria provided, multiple submitters, no conflicts (2 of 4 stars). 2 submissions from 2 submitters: Likely benign (2). Last evaluated 2024-03-27.

Conditions:
Early-infantile DEE. Also called: Early infantile epileptic encephalopathy with suppression bursts; Early infantile epileptic encephalopathy; Ohtahara syndrome. Identifiers: Orphanet 1934, MedGen C0393706, MONDO:0800491.

Allele frequency attached by ClinVar (database versions not stated): ExAC 0.00001; ESP Exome Variant Server 0.00008.
gnomAD v4.1: 13 of 1,614,058 alleles (0.00081%); highest among the groups gnomAD compares: South Asian, 0.0033%; no homozygotes.

Submissions (2):

Labcorp Genetics (formerly Invitae), Labcorp
Classification: Likely benign for Early-infantile DEE. Last evaluated: 2024-03-27. Review status: criteria provided, single submitter. Criteria: Invitae Variant Classification Sherloc (09022015). Collection method: clinical testing. Allele origin: germline.

CeGaT Center for Human Genetics Tuebingen
Classification: Likely benign. Last evaluated: 2024-02-01. Review status: criteria provided, single submitter. Criteria: CeGaT Center For Human Genetics Tuebingen Variant Classification Criteria Version 2. Collection method: clinical testing. Allele origin: germline. Affected: yes. Observed: 1 variant allele.
Comment: GNAO1: BP4, BP7

NM_020988.3(GNAO1):c.555C>T (p.Ile185=)

Gene: GNAO1 (G protein subunit alpha o1; plus strand). Cytogenetic location: 16q13.
Variant type: single nucleotide variant.
Coding change: c.555C>T on transcript NM_020988.3 (MANE Select); coding-DNA position 555, C replaced by T.
Protein change: p.Ile185=; no amino-acid change (isoleucine 185 retained).
Molecular consequence: synonymous variant.
Genome position (GRCh38, 1-based): chr16:56,334,819, C>T. VCF-style: chr16-56334819-C-T. GRCh37 (hg19) VCF-style: chr16-56368731-C-T.
Other names: c.555C>T, p.Ile185= (NM_138736.3).
Identifiers: ClinVar variation 3027093 (VCV003027093.24), dbSNP rs370565559, ClinGen allele CA8063794.
Genomic context (GRCh38, chr16:56,334,819, plus strand): 5'-CGCCGACTACCAGCCCACCGAGCAGGACATCCTCCGAACCAGGGTCAAAACCACTGGCAT[C>T]GTAGAAACCCACTTCACATTCAAGAACCTCCACTTCAGGTGAGGCCCAGAGAGGCCCCCA-3'
Protein context (NP_066268.1, residues 175-195): ILRTRVKTTG[Ile185=]VETHFTFKNL